The following is an entry in ClinVar:

ClinVar aggregate classification (germline): Uncertain significance (3 of 4 stars; one submission).

Conditions:
Juvenile retinoschisis (RS1). Also called: X-linked retinoschisis; X-Linked Juvenile Retinoschisis. Identifiers: Orphanet 792, MedGen C3714753, MONDO:0010725, OMIM 312700.

Submission:

ClinGen X-linked Inherited Retinal Disease Variant Curation Expert Panel, ClinGen
Classification: Uncertain significance for Juvenile retinoschisis. Last evaluated: 2025-09-23. Review status: reviewed by expert panel. Criteria: ClinGen X LinkedIRD ACMG Specifications RS1 V1.0.0. Collection method: curation. Allele origin: germline. Inheritance: X-linked inheritance.
Comment: NM_000330.4(RS1):c.62G>T (p.Gly21Val) is a missense variant encoding the substitution of glycine with valine at amino acid 21. This variant is absent from hemizygous individuals in gnomAD v4.1.0 (PM2_Supporting). The computational predictor REVEL gives a score of 0.622, which is below the ClinGen X-linked IRD VCEP PP3 threshold of >0.664 and above the BP4 threshold of <0.290 and does not predict a damaging effect on RS1 function. The splicing impact predictor SpliceAI gives scores of 0.44 for acceptor loss and 0.39 for donor loss, which are above the ClinGen X-linked IRD VCEP recommended threshold of ≥0.2 and predict a damaging impact on RS1 splicing (PP3). In summary, this variant is classified as a variant of uncertain significance for X-linked retinoschisis based on the ClinGen X-linked Inherited Retinal Disease Expert Panel Specifications to the ACMG/AMP Variant Interpretation Guidelines for RS1 Version 1.0.0: PM2_Supporting and PP3_Supporting.

NM_000330.4(RS1):c.62G>T (p.Gly21Val)

Gene: RS1 (retinoschisin 1; minus strand). Cytogenetic location: Xp22.13.
Variant type: single nucleotide variant.
Coding change: c.62G>T on transcript NM_000330.4 (MANE Select); coding-DNA position 62, G replaced by T.
Protein change: p.Gly21Val; replaces glycine 21 with valine.
Molecular consequence: missense variant.
Genome position (GRCh38, 1-based): chrX:18,657,656, C>A on the plus strand (G>T on the coding strand, the complement: RS1 is on the minus strand). VCF-style: chrX-18657656-C-A. GRCh37 (hg19) VCF-style: chrX-18675776-C-A.
Other names: NM_000330.4:c.62G>T; short protein forms G21V.
Identifiers: ClinVar variation 4279571 (VCV004279571.1).
Genomic context (GRCh38, chrX:18,657,656, plus strand): 5'-AAAGTACTATGCATGTACATTACAGCCTTCTTACTGTTACATACCTCGGTAGACGATAAT[C>A]CCAATGTGGCTAAAGCAAAAGGATGAGACAGAAAAAATCTAATTAATGAAAGAGAAATCC-3'
Protein context (NP_000321.1, residues 11-31): LLLFGYEATL[Gly21Val]LSSTEDEGED